The following is an entry in ClinVar:

NM_025114.4(CEP290):c.2608A>C (p.Met870Leu)

Gene: CEP290 (centrosomal protein 290; minus strand). Cytogenetic location: 12q21.32.
Variant type: single nucleotide variant.
Coding change: c.2608A>C on transcript NM_025114.4 (MANE Select); coding-DNA position 2608, A replaced by C.
Protein change: p.Met870Leu; replaces methionine 870 with leucine.
Molecular consequence: missense variant.
Genome position (GRCh38, 1-based): chr12:88,106,884, T>G on the plus strand (A>C on the coding strand, the complement: CEP290 is on the minus strand). VCF-style: chr12-88106884-T-G. GRCh37 (hg19) VCF-style: chr12-88500661-T-G.
Other names: short protein forms M870L.
Identifiers: ClinVar variation 1677147 (VCV001677147.7), dbSNP rs2038321332, ClinGen allele CA385971567.

ClinVar aggregate classification (germline): Uncertain significance. Review status: criteria provided, multiple submitters, no conflicts (2 of 4 stars). 3 submissions from 3 submitters: Uncertain significance (2). 1 of the submissions does not count toward it. Last evaluated 2025-03-27.

Conditions:
CEP290-related disorder. Also called: CEP290-related condition; CEP290-related disorders. Identifiers: MedGen CN239314.
Joubert syndrome. Also called: CEREBELLOPARENCHYMAL DISORDER IV; JOUBERT-BOLTSHAUSER SYNDROME; Familial aplasia of the vermis. Identifiers: Orphanet 475, MedGen C5979921, MONDO:0018772.
Nephronophthisis. Also called: Juvenile Nephronophthisis. Identifiers: Orphanet 655, MedGen C0687120, MONDO:0019005, HP:0000090.
Meckel-Gruber syndrome. Also called: DYSENCEPHALIA SPLANCHNOCYSTICA; GRUBER SYNDROME; Dysencephalia splachnocystica. Identifiers: Orphanet 564, MedGen C0265215, MONDO:0018921.

Allele frequency attached by ClinVar (database versions not stated): gnomAD exomes below 0.00001; gnomAD 0.00001.
gnomAD v4.1: 2 of 1,606,122 alleles (0.00012%); highest among the groups gnomAD compares: Admixed American, 0.0034%; no homozygotes.

Submissions (3):

Labcorp Genetics (formerly Invitae), Labcorp
Classification: Uncertain significance for Joubert syndrome; Meckel-Gruber syndrome; Nephronophthisis. Last evaluated: 2025-03-27. Review status: criteria provided, single submitter. Criteria: Invitae Variant Classification Sherloc (09022015). Collection method: clinical testing. Allele origin: germline.
Comment: This sequence change replaces methionine, which is neutral and non-polar, with leucine, which is neutral and non-polar, at codon 870 of the CEP290 protein (p.Met870Leu). This variant is not present in population databases (gnomAD no frequency). This variant has not been reported in the literature in individuals affected with CEP290-related conditions. ClinVar contains an entry for this variant (Variation ID: 1677147). Invitae Evidence Modeling of protein sequence and biophysical properties (such as structural, functional, and spatial information, amino acid conservation, physicochemical variation, residue mobility, and thermodynamic stability) indicates that this missense variant is not expected to disrupt CEP290 protein function with a negative predictive value of 80%. In summary, the available evidence is currently insufficient to determine the role of this variant in disease. Therefore, it has been classified as a Variant of Uncertain Significance.

Women's Health and Genetics/Laboratory Corporation of America, LabCorp
Classification: Uncertain significance. Last evaluated: 2022-03-18. Review status: criteria provided, single submitter. Criteria: LabCorp Variant Classification Summary - May 2015. Collection method: clinical testing. Allele origin: germline.

PreventionGenetics, part of Exact Sciences
Classification: Uncertain significance for CEP290-related condition. Last evaluated: 2024-07-08. Review status: no assertion criteria provided. Collection method: clinical testing. Allele origin: germline. Not counted in ClinVar's aggregate classification.
Comment: The CEP290 c.2608A>C variant is predicted to result in the amino acid substitution p.Met870Leu. To our knowledge, this variant has not been reported in the literature or in a large population database, indicating this variant is rare. At this time, the clinical significance of this variant is uncertain due to the absence of conclusive functional and genetic evidence.